The following is an entry in ClinVar:

NM_015909.4(NBAS):c.1840G>A (p.Ala614Thr)

Gene: NBAS (NBAS subunit of NRZ tethering complex; minus strand). Cytogenetic location: 2p24.3.
Variant type: single nucleotide variant.
Coding change: c.1840G>A on transcript NM_015909.4 (MANE Select); coding-DNA position 1840, G replaced by A.
Protein change: p.Ala614Thr; replaces alanine 614 with threonine.
Molecular consequence: missense variant. On other transcripts: non-coding transcript variant (1).
Genome position (GRCh38, 1-based): chr2:15,468,419, C>T on the plus strand (G>A on the coding strand, the complement: NBAS is on the minus strand). VCF-style: chr2-15468419-C-T. GRCh37 (hg19) VCF-style: chr2-15608543-C-T.
Other names: short protein forms A614T.
Identifiers: ClinVar variation 1946414 (VCV001946414.5), dbSNP rs1214183555, ClinGen allele CA345884272.

ClinVar aggregate classification (germline): Uncertain significance (1 of 4 stars; one submission).

gnomAD v4.1: 8 of 1,614,096 alleles (0.0005%); highest among the groups gnomAD compares: Non-Finnish European, 0.00068%; no homozygotes.

Submission:

Labcorp Genetics (formerly Invitae), Labcorp
Classification: Uncertain significance. Last evaluated: 2022-07-30. Review status: criteria provided, single submitter. Criteria: Invitae Variant Classification Sherloc (09022015). Collection method: clinical testing. Allele origin: germline.
Comment: In summary, the available evidence is currently insufficient to determine the role of this variant in disease. Therefore, it has been classified as a Variant of Uncertain Significance. Algorithms developed to predict the effect of missense changes on protein structure and function (SIFT, PolyPhen-2, Align-GVGD) all suggest that this variant is likely to be tolerated. This variant has not been reported in the literature in individuals affected with NBAS-related conditions. This variant is not present in population databases (gnomAD no frequency). This sequence change replaces alanine, which is neutral and non-polar, with threonine, which is neutral and polar, at codon 614 of the NBAS protein (p.Ala614Thr).